The following is an entry in ClinVar:

NM_017649.5(CNNM2):c.1797C>G (p.His599Gln)

Gene: CNNM2 (cyclin and CBS domain divalent metal cation transport mediator 2; plus strand). Cytogenetic location: 10q24.32.
Variant type: single nucleotide variant.
Coding change: c.1797C>G on transcript NM_017649.5 (MANE Select); coding-DNA position 1797, C replaced by G.
Protein change: p.His599Gln; replaces histidine 599 with glutamine.
Molecular consequence: missense variant.
Genome position (GRCh38, 1-based): chr10:103,054,360, C>G. VCF-style: chr10-103054360-C-G. GRCh37 (hg19) VCF-style: chr10-104814117-C-G.
Other names: c.1797C>G, p.His599Gln (NM_199076.3); short protein forms H599Q.
Identifiers: ClinVar variation 1706862 (VCV001706862.2), dbSNP rs1019965850, ClinGen allele CA212331434.

ClinVar aggregate classification (germline): Uncertain significance (1 of 4 stars; one submission).

Allele frequency attached by ClinVar (database versions not stated): gnomAD exomes below 0.00001.
gnomAD v4.1: 4 of 1,613,932 alleles (0.00025%); highest among the groups gnomAD compares: Non-Finnish European, 0.00034%; no homozygotes.

Submission:

GeneDx
Classification: Uncertain significance. Last evaluated: 2020-08-17. Review status: criteria provided, single submitter. Criteria: GeneDx Variant Classification Process June 2021. Collection method: clinical testing. Allele origin: germline. Affected: yes.
Comment: Not observed in large population cohorts (gnomAD); In silico analysis supports that this missense variant has a deleterious effect on protein structure/function; Has not been previously published as pathogenic or benign to our knowledge